The following is an entry in ClinVar:

NM_000089.4(COL1A2):c.1350+11A>T

Gene: COL1A2 (collagen type I alpha 2 chain; plus strand). Cytogenetic location: 7q21.3.
Variant type: single nucleotide variant.
Coding change: c.1350+11A>T on transcript NM_000089.4 (MANE Select); 11 bases into the intron after coding-DNA position 1350, A replaced by T.
Molecular consequence: intron variant.
Genome position (GRCh38, 1-based): chr7:94,411,165, A>T. VCF-style: chr7-94411165-A-T. GRCh37 (hg19) VCF-style: chr7-94040477-A-T.
Identifiers: ClinVar variation 35935 (VCV000035935.46), dbSNP rs193922160, ClinGen allele CA260340.

ClinVar aggregate classification (germline): Benign/Likely benign. Review status: criteria provided, multiple submitters, no conflicts (2 of 4 stars). 8 submissions from 7 submitters: Benign (3); Likely benign (5). Last evaluated 2026-01-28.

Conditions:
Ehlers-Danlos syndrome, classic type, 1 (EDSCL1). Also called: EDS I; EHLERS-DANLOS SYNDROME, GRAVIS TYPE; EHLERS-DANLOS SYNDROME, SEVERE CLASSIC TYPE; Ehlers-Danlos Syndrome, Classic Type, COL5A1-Related; Ehlers-Danlos syndrome, type 1. Identifiers: MedGen C0268335, MONDO:0019567, OMIM 130000.
Osteogenesis imperfecta type I (OI1). Also called: Osteogenesis imperfecta type 1; OI, TYPE I; OSTEOGENESIS IMPERFECTA TARDA; OSTEOGENESIS IMPERFECTA WITH BLUE SCLERAE; Lobstein disease; Classic Non-deforming Osteogenesis Imperfecta with Blue Sclerae. Identifiers: Orphanet 216796, Orphanet 666, MedGen C0023931, MONDO:0008146, OMIM 166200. Disease mechanism: loss of function.
Ehlers-Danlos syndrome, arthrochalasia type, 2. Also called: EHLERS-DANLOS SYNDROME, TYPE VIIB, AUTOSOMAL DOMINANT. Identifiers: MedGen CN293783, MONDO:0040501, OMIM 617821.
Osteogenesis imperfecta (OI). Identifiers: Orphanet 666, MedGen C0029434, MeSH D010013, MONDO:0019019.

Allele frequency attached by ClinVar (database versions not stated): gnomAD exomes 0.00079; gnomAD 0.00133 and 0.00140; ExAC 0.00150; TOPMed 0.00176; 1000 Genomes Project 0.00180; 1000 Genomes Project 30x 0.00203; ESP Exome Variant Server 0.00208.
gnomAD v4.1: 768 of 1,559,710 alleles (0.049%); highest among the groups gnomAD compares: African/African-American, 0.46%; 7 homozygotes.

Submissions (8):

Labcorp Genetics (formerly Invitae), Labcorp
Classification: Benign for Osteogenesis imperfecta type I; Ehlers-Danlos syndrome, classic type, 1. Last evaluated: 2026-01-28. Review status: criteria provided, single submitter. Criteria: Invitae Variant Classification Sherloc (09022015). Collection method: clinical testing. Allele origin: germline.

Women's Health and Genetics/Laboratory Corporation of America, LabCorp
Classification: Benign. Last evaluated: 2025-01-07. Review status: criteria provided, single submitter. Criteria: LabCorp Variant Classification Summary - May 2015. Collection method: clinical testing. Allele origin: germline.
Comment: Variant summary: COL1A2 c.1350+11A>T alters a nucleotide located at a position not widely known to affect splicing. Consensus agreement among computation tools predict no significant impact on normal splicing (TrAP). However, these predictions have yet to be confirmed by functional studies. The variant allele was found at a frequency of 0.00079 in 177696 control chromosomes in the gnomAD database, including 3 homozygotes. The observed variant frequency is approximately 28.21 fold of the estimated maximal expected allele frequency for a pathogenic variant in COL1A2 causing Osteogenesis Imperfecta phenotype (2.8e-05). To our knowledge, no occurrence of c.1350+11A>T in individuals affected with Osteogenesis Imperfecta and no experimental evidence demonstrating its impact on protein function have been reported. ClinVar contains an entry for this variant (Variation ID: 35935). Based on the evidence outlined above, the variant was classified as benign.

Blueprint Genetics
Classification: Likely benign. Last evaluated: 2024-11-14. Review status: criteria provided, single submitter. Criteria: ACMG Guidelines, 2015. Collection method: clinical testing. Allele origin: germline.

Athena Diagnostics
Classification: Benign. Last evaluated: 2024-02-06. Review status: criteria provided, single submitter. Criteria: Athena Diagnostics Criteria. Collection method: clinical testing. Allele origin: unknown.

CeGaT Center for Human Genetics Tuebingen
Classification: Likely benign. Last evaluated: 2023-06-01. Review status: criteria provided, single submitter. Criteria: CeGaT Center For Human Genetics Tuebingen Variant Classification Criteria Version 2. Collection method: clinical testing. Allele origin: germline. Affected: yes. Observed: 3 variant alleles.
Comment: COL1A2: BS2

GeneDx
Classification: Likely benign. Last evaluated: 2018-03-01. Review status: criteria provided, single submitter. Criteria: GeneDx Variant Classification (06012015). Collection method: clinical testing. Allele origin: germline. Affected: yes.
Comment: This variant is considered likely benign or benign based on one or more of the following criteria: it is a conservative change, it occurs at a poorly conserved position in the protein, it is predicted to be benign by multiple in silico algorithms, and/or has population frequency not consistent with disease.

Illumina Laboratory Services, Illumina
Classification: Likely benign for Ehlers-Danlos syndrome, arthrochalasia type, 2. Last evaluated: 2017-04-27. Review status: criteria provided, single submitter. Criteria: ICSL Variant Classification Criteria 13 December 2019. Collection method: clinical testing. Allele origin: germline.
Comment: This variant was observed as part of a predisposition screen in an ostensibly healthy population. A literature search was performed for the gene, cDNA change, and amino acid change (where applicable). No publications were found based on this search. Allele frequency data from public databases allowed determination this variant is unlikely to cause disease. Therefore, this variant is classified as likely benign.

Illumina Laboratory Services, Illumina
Classification: Likely benign for Osteogenesis imperfecta. Last evaluated: 2017-04-27. Review status: criteria provided, single submitter. Criteria: ICSL Variant Classification Criteria 13 December 2019. Collection method: clinical testing. Allele origin: germline.
Comment: This variant was observed as part of a predisposition screen in an ostensibly healthy population. A literature search was performed for the gene, cDNA change, and amino acid change (where applicable). Publications were found based on this search. The evidence from the literature, in combination with allele frequency data from public databases where available, was sufficient to determine this variant is unlikely to cause disease. Therefore, this variant is classified as likely benign.

Literature cited by the submitters: PubMed 21884818 (cited by Athena Diagnostics and Illumina Laboratory Services, Illumina).